The following is an entry in ClinVar:

ClinVar aggregate classification (germline): Uncertain significance (1 of 4 stars; one submission).

Conditions:
Autosomal dominant nocturnal frontal lobe epilepsy 5. Also called: Epilepsy, nocturnal frontal lobe, 5; CILIARY DYSKINESIA, PRIMARY, 28, WITHOUT SITUS INVERSUS; CILIARY DYSKINESIA, PRIMARY, 28, WITH SITUS INVERSUS; KCNT1-Related Epilepsy. Identifiers: Orphanet 98784, MedGen C3554306, MONDO:0014002, OMIM 615005.
Developmental and epileptic encephalopathy, 14 (DEE14). Also called: Early infantile epileptic encephalopathy 14. Identifiers: Orphanet 293181, MedGen C3554195, MONDO:0013989, OMIM 614959.

Submission:

Labcorp Genetics (formerly Invitae), Labcorp
Classification: Uncertain significance for Autosomal dominant nocturnal frontal lobe epilepsy 5; Developmental and epileptic encephalopathy, 14. Last evaluated: 2023-10-06. Review status: criteria provided, single submitter. Criteria: Invitae Variant Classification Sherloc (09022015). Collection method: clinical testing. Allele origin: germline.
Comment: This sequence change replaces phenylalanine, which is neutral and non-polar, with leucine, which is neutral and non-polar, at codon 27 of the KCNT1 protein (p.Phe27Leu). This variant is not present in population databases (gnomAD no frequency). This variant has not been reported in the literature in individuals affected with KCNT1-related conditions. Advanced modeling of protein sequence and biophysical properties (such as structural, functional, and spatial information, amino acid conservation, physicochemical variation, residue mobility, and thermodynamic stability) performed at Invitae indicates that this missense variant is not expected to disrupt KCNT1 protein function. In summary, the available evidence is currently insufficient to determine the role of this variant in disease. Therefore, it has been classified as a Variant of Uncertain Significance.

NM_020822.3(KCNT1):c.81C>A (p.Phe27Leu)

Gene: KCNT1 (potassium sodium-activated channel subfamily T member 1; plus strand). Cytogenetic location: 9q34.3.
Variant type: single nucleotide variant.
Coding change: c.81C>A on transcript NM_020822.3 (MANE Select); coding-DNA position 81, C replaced by A.
Protein change: p.Phe27Leu; replaces phenylalanine 27 with leucine.
Molecular consequence: missense variant.
Genome position (GRCh38, 1-based): chr9:135,702,339, C>A. VCF-style: chr9-135702339-C-A. GRCh37 (hg19) VCF-style: chr9-138594185-C-A.
Other names: c.81C>A, p.Phe27Leu (NM_001272003.2); short protein forms F27L.
Identifiers: ClinVar variation 2934405 (VCV002934405.3), dbSNP rs761869915, ClinGen allele CA375492624.
Genomic context (GRCh38, chr9:135,702,339, plus strand): 5'-GCGGACCCCGGGGGGCGTCTGCCGGGAGGCGCGCGGCGGGGGCTACACCAACCGGACCTT[C>A]GAGTTTGACGACGGCCAATGCGCCCCCAGGTACAGTCTGCTGCGCCCTCCCCACGCGGGG-3'
Protein context (NP_065873.2, residues 17-37): ARGGGYTNRT[Phe27Leu]EFDDGQCAPR